The following is an entry in ClinVar:

ClinVar aggregate classification (germline): Uncertain significance (1 of 4 stars; one submission).

Conditions:
Charcot-Marie-Tooth disease axonal type 2V. Also called: CHARCOT-MARIE-TOOTH NEUROPATHY, TYPE 2V; CHARCOT-MARIE-TOOTH DISEASE, AXONAL, AUTOSOMAL DOMINANT, TYPE 2V. Identifiers: Orphanet 447964, MedGen C5569050, MONDO:0014665, OMIM 616491.
Mucopolysaccharidosis, MPS-III-B (MPS3B). Also called: N-ACETYL-ALPHA-D-GLUCOSAMINIDASE DEFICIENCY; NAGLU DEFICIENCY; SANFILIPPO SYNDROME B; MPS III B; MUCOPOLYSACCHARIDOSIS, TYPE IIIB; MPS IIIB (Sanfilippo Syndrome Type B). Identifiers: Orphanet 79270, MedGen C0086648, MONDO:0009656, OMIM 252920.

Submission:

Labcorp Genetics (formerly Invitae), Labcorp
Classification: Uncertain significance for Charcot-Marie-Tooth disease axonal type 2V; Mucopolysaccharidosis, MPS-III-B. Last evaluated: 2023-07-07. Review status: criteria provided, single submitter. Criteria: Invitae Variant Classification Sherloc (09022015). Collection method: clinical testing. Allele origin: germline.
Comment: This sequence change replaces alanine, which is neutral and non-polar, with serine, which is neutral and polar, at codon 430 of the NAGLU protein (p.Ala430Ser). This variant is not present in population databases (gnomAD no frequency). This variant has not been reported in the literature in individuals affected with NAGLU-related conditions. ClinVar contains an entry for this variant (Variation ID: 2070609). Advanced modeling of protein sequence and biophysical properties (such as structural, functional, and spatial information, amino acid conservation, physicochemical variation, residue mobility, and thermodynamic stability) has been performed at Invitae for this missense variant, however the output from this modeling did not meet the statistical confidence thresholds required to predict the impact of this variant on NAGLU protein function. In summary, the available evidence is currently insufficient to determine the role of this variant in disease. Therefore, it has been classified as a Variant of Uncertain Significance.

NM_000263.4(NAGLU):c.1288G>T (p.Ala430Ser)

Gene: NAGLU (N-acetyl-alpha-glucosaminidase; plus strand). Cytogenetic location: 17q21.2.
Variant type: single nucleotide variant.
Coding change: c.1288G>T on transcript NM_000263.4 (MANE Select); coding-DNA position 1288, G replaced by T.
Protein change: p.Ala430Ser; replaces alanine 430 with serine.
Molecular consequence: missense variant.
Genome position (GRCh38, 1-based): chr17:42,543,294, G>T. VCF-style: chr17-42543294-G-T. GRCh37 (hg19) VCF-style: chr17-40695312-G-T.
Other names: short protein forms A430S.
Identifiers: ClinVar variation 2070609 (VCV002070609.4), dbSNP rs776375237, ClinGen allele CA399601746.